The following is an entry in ClinVar:

ClinVar aggregate classification (germline): Likely benign. Review status: criteria provided, multiple submitters, no conflicts (2 of 4 stars). 2 submissions from 2 submitters: Likely benign (2). Last evaluated 2025-07-30.

Conditions:
Aicardi-Goutieres syndrome 7 (AGS7). Identifiers: Orphanet 51, MedGen C3888244, MONDO:0014367, OMIM 615846.
Singleton-Merten syndrome 1 (SGMRT1). Also called: Widened medullary cavities of bone, aortic calcification, abnormal dentition, and muscular weakness; Syndrome of widened medullary cavities of the metacarpals and phalanges, aortic calcification and abnormal dentition. Identifiers: Orphanet 85191, MedGen C4225427, MONDO:0024535, OMIM 182250.

Allele frequency attached by ClinVar (database versions not stated): ExAC 0.00001; 1000 Genomes Project 30x 0.00031; 1000 Genomes Project 0.00040; gnomAD exomes below 0.00001.
gnomAD v4.1: 4 of 1,595,980 alleles (0.00025%); highest among the groups gnomAD compares: East Asian, 0.009%; no homozygotes.

Submissions (2):

Mayo Clinic Laboratories, Mayo Clinic
Classification: Likely benign. Last evaluated: 2025-07-30. Review status: criteria provided, single submitter. Criteria: ACMG Guidelines, 2015. Collection method: clinical testing. Allele origin: germline. Observed: 1 variant allele.
Comment: BP4, BP7, PM2_supporting

Labcorp Genetics (formerly Invitae), Labcorp
Classification: Likely benign for Aicardi-Goutieres syndrome 7; Singleton-Merten syndrome 1. Last evaluated: 2025-07-18. Review status: criteria provided, single submitter. Criteria: Invitae Variant Classification Sherloc (09022015). Collection method: clinical testing. Allele origin: germline.

NM_022168.4(IFIH1):c.2044+10A>T

Gene: IFIH1 (interferon induced with helicase C domain 1; minus strand). Cytogenetic location: 2q24.2.
Variant type: single nucleotide variant.
Coding change: c.2044+10A>T on transcript NM_022168.4 (MANE Select); 10 bases into the intron after coding-DNA position 2044, A replaced by T.
Molecular consequence: intron variant.
Genome position (GRCh38, 1-based): chr2:162,277,405, T>A on the plus strand (A>T on the coding strand, the complement: IFIH1 is on the minus strand). VCF-style: chr2-162277405-T-A. GRCh37 (hg19) VCF-style: chr2-163133915-T-A.
Other names: p.?.
Identifiers: ClinVar variation 2923670 (VCV002923670.4), dbSNP rs551626094, ClinGen allele CA1934320.